The following is an entry in ClinVar:

ClinVar aggregate classification (germline): Uncertain significance. Review status: criteria provided, multiple submitters, no conflicts (2 of 4 stars). 3 submissions from 3 submitters: Uncertain significance (3). Last evaluated 2025-09-28.

Conditions:
Epidermolysis bullosa simplex 5B, with muscular dystrophy (EBS5B). Also called: Epidermolysis bullosa simplex with muscular dystrophy; EPIDERMOLYSIS BULLOSA SIMPLEX AND LIMB-GIRDLE MUSCULAR DYSTROPHY. Identifiers: Orphanet 257, MedGen C2931072, MONDO:0009181, OMIM 226670.
Epidermolysis bullosa simplex 5C, with pyloric atresia (EBS5C). Also called: PLEC-Related Epidermolysis Bullosa with Pyloric Atresia; Epidermolysis bullosa simplex with pyloric atresia; PLEC1-Related Epidermolysis Bullosa with Pyloric Atresia. Identifiers: Orphanet 158684, MedGen C2677349, MONDO:0012807, OMIM 612138.
Autosomal recessive limb-girdle muscular dystrophy type 2Q (LGMDR17). Also called: MUSCULAR DYSTROPHY, LIMB-GIRDLE, AUTOSOMAL RECESSIVE 17. Identifiers: Orphanet 254361, MedGen C3150989, MONDO:0013390, OMIM 613723.
Epidermolysis bullosa simplex with nail dystrophy (EBS5D). Identifiers: MedGen C4225309, MONDO:0014661, OMIM 616487.
Epidermolysis bullosa simplex, Ogna type (EBS5A). Also called: Pidermolysis bullosa simplex 5A, Ogna type; EPIDERMOLYSIS BULLOSA SIMPLEX 5A, OGNA TYPE. Identifiers: Orphanet 79401, MedGen C0432317, MONDO:0007555, OMIM 131950.

Allele frequency attached by ClinVar (database versions not stated): gnomAD exomes 0.00002 and 0.00003; TOPMed 0.00002; ExAC 0.00003; gnomAD 0.00003.
gnomAD v4.1: 26 of 1,612,668 alleles (0.0016%); highest among the groups gnomAD compares: South Asian, 0.0088%; no homozygotes.

Submissions (3):

Labcorp Genetics (formerly Invitae), Labcorp
Classification: Uncertain significance for Autosomal recessive limb-girdle muscular dystrophy type 2Q; Epidermolysis bullosa simplex, Ogna type; Epidermolysis bullosa simplex with nail dystrophy; Epidermolysis bullosa simplex 5C, with pyloric atresia; Epidermolysis bullosa simplex 5B, with muscular dystrophy. Last evaluated: 2025-09-28. Review status: criteria provided, single submitter. Criteria: Invitae Variant Classification Sherloc (09022015). Collection method: clinical testing. Allele origin: germline.
Comment: This sequence change replaces proline, which is neutral and non-polar, with leucine, which is neutral and non-polar, at codon 293 of the PLEC protein (p.Pro293Leu). This variant is present in population databases (rs782324328, gnomAD 0.01%). This variant has not been reported in the literature in individuals affected with PLEC-related conditions. ClinVar contains an entry for this variant (Variation ID: 1256547). Experimental studies and prediction algorithms are not available or were not evaluated, and the functional significance of this variant is currently unknown. In summary, the available evidence is currently insufficient to determine the role of this variant in disease. Therefore, it has been classified as a Variant of Uncertain Significance.

Revvity Omics, Revvity
Classification: Uncertain significance. Last evaluated: 2024-07-17. Review status: criteria provided, single submitter. Criteria: ACMG Guidelines, 2015. Collection method: clinical testing. Allele origin: germline.

Athena Diagnostics
Classification: Uncertain significance. Last evaluated: 2020-10-26. Review status: criteria provided, single submitter. Criteria: Athena Diagnostics criteria. Collection method: clinical testing. Allele origin: unknown.

NM_201384.3(PLEC):c.797C>T (p.Pro266Leu)

Gene: PLEC (plectin; minus strand). Cytogenetic location: 8q24.3.
Variant type: single nucleotide variant.
Coding change: c.797C>T on transcript NM_201384.3 (MANE Select); coding-DNA position 797, C replaced by T.
Protein change: p.Pro266Leu; replaces proline 266 with leucine.
Molecular consequence: missense variant.
Genome position (GRCh38, 1-based): chr8:143,935,039, G>A on the plus strand (C>T on the coding strand, the complement: PLEC is on the minus strand). VCF-style: chr8-143935039-G-A. GRCh37 (hg19) VCF-style: chr8-145009207-G-A.
Other names: c.878C>T, p.Pro293Leu (NM_000445.5); c.755C>T, p.Pro252Leu (NM_201378.4); c.731C>T, p.Pro244Leu (NM_201379.3); c.1208C>T, p.Pro403Leu (NM_201380.4); c.701C>T, p.Pro234Leu (NM_201381.3); c.797C>T, p.Pro266Leu (NM_201382.4); c.809C>T, p.Pro270Leu (NM_201383.3); short protein forms P234L, P244L, P252L, P266L, P270L, P293L, P403L.
Identifiers: ClinVar variation 1256547 (VCV001256547.7), dbSNP rs782324328, ClinGen allele CA4928315.